The following is an entry in ClinVar:

ClinVar aggregate classification (germline): Uncertain significance (1 of 4 stars; one submission).

gnomAD v4.1: 4 of 1,613,576 alleles (0.00025%); highest among the groups gnomAD compares: Non-Finnish European, 0.00034%; no homozygotes.

Submission:

Labcorp Genetics (formerly Invitae), Labcorp
Classification: Uncertain significance. Last evaluated: 2023-09-08. Review status: criteria provided, single submitter. Criteria: Invitae Variant Classification Sherloc (09022015). Collection method: clinical testing. Allele origin: germline.
Comment: In summary, the available evidence is currently insufficient to determine the role of this variant in disease. Therefore, it has been classified as a Variant of Uncertain Significance. Advanced modeling of protein sequence and biophysical properties (such as structural, functional, and spatial information, amino acid conservation, physicochemical variation, residue mobility, and thermodynamic stability) performed at Invitae indicates that this missense variant is not expected to disrupt DUOX2 protein function. This variant has not been reported in the literature in individuals affected with DUOX2-related conditions. This variant is present in population databases (no rsID available, gnomAD 0.002%). This sequence change replaces proline, which is neutral and non-polar, with serine, which is neutral and polar, at codon 982 of the DUOX2 protein (p.Pro982Ser).

NM_001363711.2(DUOX2):c.2944C>T (p.Pro982Ser)

Gene: DUOX2 (dual oxidase 2; minus strand). Cytogenetic location: 15q21.1.
Variant type: single nucleotide variant.
Coding change: c.2944C>T on transcript NM_001363711.2 (MANE Select); coding-DNA position 2944, C replaced by T.
Protein change: p.Pro982Ser; replaces proline 982 with serine.
Molecular consequence: missense variant.
Genome position (GRCh38, 1-based): chr15:45,100,816, G>A on the plus strand (C>T on the coding strand, the complement: DUOX2 is on the minus strand). VCF-style: chr15-45100816-G-A. GRCh37 (hg19) VCF-style: chr15-45393014-G-A.
Other names: c.2944C>T, p.Pro982Ser (NM_014080.5); short protein forms P982S.
Identifiers: ClinVar variation 2838983 (VCV002838983.3), dbSNP rs61730030, ClinGen allele CA392264739.